The following is an entry in ClinVar:

ClinVar aggregate classification (germline): Uncertain significance (1 of 4 stars; one submission).

Conditions:
Inborn genetic diseases. Identifiers: MedGen C0950123, MeSH D030342.

Submission:

Ambry Genetics
Classification: Uncertain significance for Inborn genetic diseases. Last evaluated: 2024-07-16. Review status: criteria provided, single submitter. Criteria: Ambry Variant Classification Scheme 2023. Collection method: clinical testing. Allele origin: germline.
Comment: The p.K2200E variant (also known as c.6598A>G), located in coding exon 39 of the ATR gene, results from an A to G substitution at nucleotide position 6598. The lysine at codon 2200 is replaced by glutamic acid, an amino acid with similar properties. This amino acid position is conserved. In addition, this alteration is predicted to be tolerated by in silico analysis. Based on the available evidence, the clinical significance of this variant remains unclear.

NM_001184.4(ATR):c.6598A>G (p.Lys2200Glu)

Gene: ATR (ATR serine/threonine kinase; minus strand). Cytogenetic location: 3q23.
Variant type: single nucleotide variant.
Coding change: c.6598A>G on transcript NM_001184.4 (MANE Select); coding-DNA position 6598, A replaced by G.
Protein change: p.Lys2200Glu; replaces lysine 2200 with glutamic acid.
Molecular consequence: missense variant.
Genome position (GRCh38, 1-based): chr3:142,468,023, T>C on the plus strand (A>G on the coding strand, the complement: ATR is on the minus strand). VCF-style: chr3-142468023-T-C. GRCh37 (hg19) VCF-style: chr3-142186865-T-C.
Other names: c.6406A>G, p.Lys2136Glu (NM_001354579.2); short protein forms K2200E, K2136E.
Identifiers: ClinVar variation 3462434 (VCV003462434.1).